The following is an entry in ClinVar:

NM_000892.5(KLKB1):c.1325A>C (p.Gln442Pro)

Gene: KLKB1 (kallikrein B1; plus strand). Cytogenetic location: 4q35.2.
Variant type: single nucleotide variant.
Coding change: c.1325A>C on transcript NM_000892.5 (MANE Select); coding-DNA position 1325, A replaced by C.
Protein change: p.Gln442Pro; replaces glutamine 442 with proline.
Molecular consequence: missense variant.
Genome position (GRCh38, 1-based): chr4:186,254,599, A>C. VCF-style: chr4-186254599-A-C. GRCh37 (hg19) VCF-style: chr4-187175753-A-C.
Other names: p.Gln442Pro; c.1211A>C, p.Gln404Pro (NM_001318394.2); c.719A>C, p.Gln240Pro (NM_001318396.2); short protein forms Q240P, Q404P, Q442P.
Identifiers: ClinVar variation 3379572 (VCV003379572.2).

ClinVar aggregate classification (germline): Conflicting classifications of pathogenicity. Review status: criteria provided, conflicting classifications (1 of 4 stars). 2 submissions from 2 submitters: Uncertain significance (1); Likely benign (1). Last evaluated 2024-11-20.

gnomAD v4.1: 6,527 of 1,613,968 alleles (0.4%); highest among the groups gnomAD compares: Non-Finnish European, 0.49%; 18 homozygotes.

Submissions (2):

Blueprint Genetics
Classification: Likely benign. Last evaluated: 2024-11-20. Review status: criteria provided, single submitter. Criteria: ACMG Guidelines, 2015. Collection method: clinical testing. Allele origin: germline.

Mayo Clinic Laboratories, Mayo Clinic
Classification: Uncertain significance. Last evaluated: 2024-01-31. Review status: criteria provided, single submitter. Criteria: ACMG Guidelines, 2015. Collection method: clinical testing. Allele origin: germline. Observed: 1 variant allele.
Comment: PM1_supporting